The following is an entry in ClinVar:

ClinVar aggregate classification (germline): Uncertain significance (1 of 4 stars; one submission).

Allele frequency attached by ClinVar (database versions not stated): gnomAD exomes below 0.00001; gnomAD 0.00001.
gnomAD v4.1: 2 of 1,613,108 alleles (0.00012%); highest among the groups gnomAD compares: South Asian, 0.0022%; no homozygotes.

Submission:

Labcorp Genetics (formerly Invitae), Labcorp
Classification: Uncertain significance. Last evaluated: 2022-11-22. Review status: criteria provided, single submitter. Criteria: Invitae Variant Classification Sherloc (09022015). Collection method: clinical testing. Allele origin: germline.
Comment: In summary, the available evidence is currently insufficient to determine the role of this variant in disease. Therefore, it has been classified as a Variant of Uncertain Significance. Advanced modeling of protein sequence and biophysical properties (such as structural, functional, and spatial information, amino acid conservation, physicochemical variation, residue mobility, and thermodynamic stability) performed at Invitae indicates that this missense variant is not expected to disrupt RAI1 protein function. This variant has not been reported in the literature in individuals affected with RAI1-related conditions. This variant is present in population databases (no rsID available, gnomAD 0.003%). This sequence change replaces alanine, which is neutral and non-polar, with serine, which is neutral and polar, at codon 548 of the RAI1 protein (p.Ala548Ser).

NM_030665.4(RAI1):c.1642G>T (p.Ala548Ser)

Gene: RAI1 (retinoic acid induced 1; plus strand). Cytogenetic location: 17p11.2.
Variant type: single nucleotide variant.
Coding change: c.1642G>T on transcript NM_030665.4 (MANE Select); coding-DNA position 1642, G replaced by T.
Protein change: p.Ala548Ser; replaces alanine 548 with serine.
Molecular consequence: missense variant.
Genome position (GRCh38, 1-based): chr17:17,794,590, G>T. VCF-style: chr17-17794590-G-T. GRCh37 (hg19) VCF-style: chr17-17697904-G-T.
Other names: short protein forms A548S.
Identifiers: ClinVar variation 1965516 (VCV001965516.5), dbSNP rs1246938481, ClinGen allele CA398548880.